The following is an entry in ClinVar:

ClinVar aggregate classification (germline): Conflicting classifications of pathogenicity. Review status: criteria provided, conflicting classifications (1 of 4 stars). 3 submissions from 3 submitters: Uncertain significance (1); Likely benign (1). 1 of the submissions does not count toward it. Last evaluated 2026-03-01.

Conditions:
AP3D1-related disorder. Also called: AP3D1-related condition.

Allele frequency attached by ClinVar (database versions not stated): gnomAD exomes 0.00008 and 0.00020; ExAC 0.00025; TOPMed 0.00086; gnomAD 0.00090 and 0.00098; ESP Exome Variant Server 0.00093.
gnomAD v4.1: 262 of 1,613,398 alleles (0.016%); highest among the groups gnomAD compares: African/African-American, 0.3%; 1 homozygote.

Submissions (3):

GeneDx
Classification: Uncertain significance. Last evaluated: 2026-03-01. Review status: criteria provided, single submitter. Criteria: GeneDx Variant Classification Process June 2021. Collection method: clinical testing. Allele origin: germline.
Comment: Has not been previously published as pathogenic or benign to our knowledge; In silico analysis supports that this missense variant has a deleterious effect on protein structure/function

Labcorp Genetics (formerly Invitae), Labcorp
Classification: Likely benign. Last evaluated: 2025-10-27. Review status: criteria provided, single submitter. Criteria: Invitae Variant Classification Sherloc (09022015). Collection method: clinical testing. Allele origin: germline.

PreventionGenetics, part of Exact Sciences
Classification: Likely benign for AP3D1-related condition. Last evaluated: 2024-04-11. Review status: no assertion criteria provided. Collection method: clinical testing. Allele origin: germline. Not counted in ClinVar's aggregate classification.
Comment: This variant is classified as likely benign based on ACMG/AMP sequence variant interpretation guidelines (Richards et al. 2015 PMID: 25741868, with internal and published modifications).

NM_001261826.3(AP3D1):c.2836C>T (p.Arg946Trp)

Gene: AP3D1 (adaptor related protein complex 3 subunit delta 1; minus strand). Cytogenetic location: 19p13.3.
Variant type: single nucleotide variant.
Coding change: c.2836C>T on transcript NM_001261826.3 (MANE Select); coding-DNA position 2836, C replaced by T.
Protein change: p.Arg946Trp; replaces arginine 946 with tryptophan.
Molecular consequence: missense variant.
Genome position (GRCh38, 1-based): chr19:2,111,780, G>A on the plus strand (C>T on the coding strand, the complement: AP3D1 is on the minus strand). VCF-style: chr19-2111780-G-A. GRCh37 (hg19) VCF-style: chr19-2111779-G-A.
Other names: c.2800C>T, p.Arg934Trp (NM_001374799.1); c.2650C>T, p.Arg884Trp (NM_003938.8); short protein forms R934W, R946W, R884W.
Identifiers: ClinVar variation 739120 (VCV000739120.10), dbSNP rs372236052, ClinGen allele CA9058698.